The following is an entry in ClinVar:

NM_001379500.1(COL18A1):c.3142G>A (p.Glu1048Lys)

Genes: COL18A1 (collagen type XVIII alpha 1 chain; plus strand), SLC19A1 (solute carrier family 19 member 1; minus strand). Cytogenetic location: 21q22.3.
Variant type: single nucleotide variant.
Coding change: c.3142G>A on transcript NM_001379500.1 (MANE Select); coding-DNA position 3142, G replaced by A.
Protein change: p.Glu1048Lys; replaces glutamic acid 1048 with lysine.
Molecular consequence: missense variant.
Genome position (GRCh38, 1-based): chr21:45,505,892, G>A. VCF-style: chr21-45505892-G-A. GRCh37 (hg19) VCF-style: chr21-46925806-G-A.
Other names: NM_130445.2:c.3133G>A; c.3673G>A, p.Glu1225Lys (NM_030582.4); c.4378G>A, p.Glu1460Lys (NM_130444.3); short protein forms E1225K, E1460K, E1048K.
Identifiers: ClinVar variation 1390612 (VCV001390612.6), dbSNP rs201265799, ClinGen allele CA10067726.

ClinVar aggregate classification (germline): Uncertain significance. Review status: criteria provided, multiple submitters, no conflicts (2 of 4 stars). 3 submissions from 3 submitters: Uncertain significance (3). Last evaluated 2024-06-06.

Conditions:
Inborn genetic diseases. Identifiers: MedGen C0950123, MeSH D030342.

Allele frequency attached by ClinVar (database versions not stated): gnomAD exomes 0.00005; gnomAD 0.00022 and 0.00024; ESP Exome Variant Server 0.00024; TOPMed 0.00031.
gnomAD v4.1: 99 of 1,612,450 alleles (0.0061%); highest among the groups gnomAD compares: Admixed American, 0.06%; no homozygotes.

Submissions (3):

Women's Health and Genetics/Laboratory Corporation of America, LabCorp
Classification: Uncertain significance. Last evaluated: 2024-06-06. Review status: criteria provided, single submitter. Criteria: LabCorp Variant Classification Summary - May 2015. Collection method: clinical testing. Allele origin: germline.
Comment: Variant summary: COL18A1 c.3142G>A (p.Glu1048Lys) results in a conservative amino acid change in the encoded protein sequence. Two of four in-silico tools predict a benign effect of the variant on protein function. The variant allele was found at a frequency of 0.00014 in 247556 control chromosomes. This frequency is not significantly higher than estimated for a pathogenic variant in COL18A1 causing Knobloch Syndrome 1, allowing no conclusion about variant significance. To our knowledge, no occurrence of c.3142G>A in individuals affected with Knobloch Syndrome 1 and no experimental evidence demonstrating its impact on protein function have been reported. ClinVar contains an entry for this variant (Variation ID: 1390612). Based on the evidence outlined above, the variant was classified as uncertain significance.

Labcorp Genetics (formerly Invitae), Labcorp
Classification: Uncertain significance. Last evaluated: 2024-01-19. Review status: criteria provided, single submitter. Criteria: Invitae Variant Classification Sherloc (09022015). Collection method: clinical testing. Allele origin: germline.
Comment: This sequence change replaces glutamic acid, which is acidic and polar, with lysine, which is basic and polar, at codon 1045 of the COL18A1 protein (p.Glu1045Lys). This variant is present in population databases (rs201265799, gnomAD 0.06%). This variant has not been reported in the literature in individuals affected with COL18A1-related conditions. ClinVar contains an entry for this variant (Variation ID: 1390612). Experimental studies and prediction algorithms are not available or were not evaluated, and the functional significance of this variant is currently unknown. In summary, the available evidence is currently insufficient to determine the role of this variant in disease. Therefore, it has been classified as a Variant of Uncertain Significance.

Ambry Genetics
Classification: Uncertain significance for Inborn genetic diseases. Last evaluated: 2024-01-12. Review status: criteria provided, single submitter. Criteria: Ambry Variant Classification Scheme 2023. Collection method: clinical testing. Allele origin: germline.